The following is an entry in ClinVar:

ClinVar aggregate classification (germline): Pathogenic (1 of 4 stars; one submission).

Submission:

Labcorp Genetics (formerly Invitae), Labcorp
Classification: Pathogenic. Last evaluated: 2025-04-30. Review status: criteria provided, single submitter. Criteria: Invitae Variant Classification Sherloc (09022015). Collection method: clinical testing. Allele origin: germline.
Comment: This sequence change creates a premature translational stop signal (p.Arg297Profs*44) in the PLOD3 gene. It is expected to result in an absent or disrupted protein product. Loss-of-function variants in PLOD3 are known to be pathogenic (PMID: 30237576). The frequency data for this variant in the population databases is considered unreliable, as metrics indicate poor data quality at this position in the gnomAD database. This variant has not been reported in the literature in individuals affected with PLOD3-related conditions. ClinVar contains an entry for this variant (Variation ID: 1424180). For these reasons, this variant has been classified as Pathogenic.

Literature cited by the submitters: PubMed 30237576.

NM_001084.5(PLOD3):c.889dup (p.Arg297fs)

Gene: PLOD3 (procollagen-lysine,2-oxoglutarate 5-dioxygenase 3; minus strand). Cytogenetic location: 7q22.1.
Variant type: Duplication.
Coding change: c.889dup on transcript NM_001084.5 (MANE Select); coding-DNA position 889, one base duplicated (C; older notation c.889dupC).
Protein change: p.Arg297fs; shifts the reading frame from arginine 297.
Molecular consequence: frameshift variant.
Genome position (GRCh38, 1-based): chr7:101,212,646, G duplicated on the plus strand (C on the coding strand, the reverse complement: PLOD3 is on the minus strand); the first of 7 consecutive G bases (chr7:101,212,646-101,212,652); duplicating any one gives the same sequence. VCF-style (leftmost placement, unchanged base first): chr7-101212645-C-CG. GRCh37 (hg19) VCF-style: chr7-100855926-C-CG.
Other names: short protein forms R297fs.
Identifiers: ClinVar variation 1424180 (VCV001424180.6), dbSNP rs770446713, ClinGen allele CA4407942.
Genomic context (GRCh38, chr7:101,212,645, plus strand): 5'-CGCTGCAGGAAGCGGGGCAGAAACGGAGTAGGCTGTTCCACAAACACGGCCAGAAACACC[C>CG]GGGGGGGAGGCTGGAAGATGCAACACGCAGGGACTCAGAGAGAAGCCCGGACTTCCCTGC-3'